The following is an entry in ClinVar:

NM_001042631.3(SDHAF1):c.43T>C (p.Tyr15His)

Genes: SDHAF1 (succinate dehydrogenase complex assembly factor 1; plus strand), LOC130064279 (ATAC-STARR-seq lymphoblastoid active region 14513; plus strand). Cytogenetic location: 19q13.12.
Variant type: single nucleotide variant.
Coding change: c.43T>C on transcript NM_001042631.3 (MANE Select); coding-DNA position 43, T replaced by C.
Protein change: p.Tyr15His; replaces tyrosine 15 with histidine.
Molecular consequence: missense variant.
Genome position (GRCh38, 1-based): chr19:35,995,317, T>C. VCF-style: chr19-35995317-T-C. GRCh37 (hg19) VCF-style: chr19-36486219-T-C.
Other names: c.43T>C (NM_001042631.2); short protein forms Y15H.
Identifiers: ClinVar variation 1927948 (VCV001927948.4), dbSNP rs1333390993, ClinGen allele CA405422944.

ClinVar aggregate classification (germline): Uncertain significance. Review status: criteria provided, multiple submitters, no conflicts (2 of 4 stars). 3 submissions from 3 submitters: Uncertain significance (3). Last evaluated 2024-06-30.

Conditions:
Inborn genetic diseases. Identifiers: MedGen C0950123, MeSH D030342.

Allele frequency attached by ClinVar (database versions not stated): gnomAD exomes 0.00001.

Submissions (3):

Ambry Genetics
Classification: Uncertain significance for Inborn genetic diseases. Last evaluated: 2024-06-30. Review status: criteria provided, single submitter. Criteria: Ambry Variant Classification Scheme 2023. Collection method: clinical testing. Allele origin: germline.
Comment: The p.Y15H variant (also known as c.43T>C), located in coding exon 1 of the SDHAF1 gene, results from a T to C substitution at nucleotide position 43. The tyrosine at codon 15 is replaced by histidine, an amino acid with similar properties. This amino acid position is conserved. In addition, this alteration is predicted to be deleterious by in silico analysis. Based on the available evidence, the clinical significance of this variant remains unclear.

Women's Health and Genetics/Laboratory Corporation of America, LabCorp
Classification: Uncertain significance. Last evaluated: 2023-08-31. Review status: criteria provided, single submitter. Criteria: LabCorp Variant Classification Summary - May 2015. Collection method: clinical testing. Allele origin: germline.
Comment: Variant summary: SDHAF1 c.43T>C (p.Tyr15His) results in a conservative amino acid change located in the Complex 1 LYR protein domain (IPR008011) of the encoded protein sequence. Four of five in-silico tools predict a damaging effect of the variant on protein function. The variant allele was found at a frequency of 6.9e-06 in 145716 control chromosomes (gnomAD). The available data on variant occurrences in the general population are insufficient to allow any conclusion about variant significance. To our knowledge, no occurrence of c.43T>C in individuals affected with Mitochondrial Complex 2 Deficiency, Nuclear Type 2 and no experimental evidence demonstrating its impact on protein function have been reported. One submitter has cited clinical-significance assessments for this variant to ClinVar after 2014 and has classified the variant as uncertain significance. Based on the evidence outlined above, the variant was classified as uncertain significance.

Labcorp Genetics (formerly Invitae), Labcorp
Classification: Uncertain significance. Last evaluated: 2022-07-06. Review status: criteria provided, single submitter. Criteria: Invitae Variant Classification Sherloc (09022015). Collection method: clinical testing. Allele origin: germline.
Comment: This sequence change replaces tyrosine, which is neutral and polar, with histidine, which is basic and polar, at codon 15 of the SDHAF1 protein (p.Tyr15His). The frequency data for this variant in the population databases is considered unreliable, as metrics indicate poor data quality at this position in the gnomAD database. This variant has not been reported in the literature in individuals affected with SDHAF1-related conditions. Algorithms developed to predict the effect of missense changes on protein structure and function (SIFT, PolyPhen-2, Align-GVGD) all suggest that this variant is likely to be disruptive. In summary, the available evidence is currently insufficient to determine the role of this variant in disease. Therefore, it has been classified as a Variant of Uncertain Significance.